The following is an entry in ClinVar:

ClinVar aggregate classification (germline): Uncertain significance (1 of 4 stars; one submission).

Allele frequency attached by ClinVar (database versions not stated): gnomAD 0.00003; TOPMed 0.00001; 1000 Genomes Project 30x 0.00016; 1000 Genomes Project 0.00020; gnomAD exomes 0.00001.
gnomAD v4.1: 15 of 1,614,074 alleles (0.00093%); highest among the groups gnomAD compares: African/African-American, 0.0067%; no homozygotes.

Submission:

Labcorp Genetics (formerly Invitae), Labcorp
Classification: Uncertain significance. Last evaluated: 2025-07-31. Review status: criteria provided, single submitter. Criteria: Invitae Variant Classification Sherloc (09022015). Collection method: clinical testing. Allele origin: germline.
Comment: This sequence change replaces threonine, which is neutral and polar, with methionine, which is neutral and non-polar, at codon 134 of the CCT2 protein (p.Thr134Met). This variant is present in population databases (rs563962174, gnomAD 0.008%). This variant has not been reported in the literature in individuals affected with CCT2-related conditions. ClinVar contains an entry for this variant (Variation ID: 2999314). An algorithm developed to predict the effect of missense changes on protein structure and function (PolyPhen-2) suggests that this variant is likely to be tolerated. In summary, the available evidence is currently insufficient to determine the role of this variant in disease. Therefore, it has been classified as a Variant of Uncertain Significance.

NM_006431.3(CCT2):c.401C>T (p.Thr134Met)

Gene: CCT2 (chaperonin containing TCP1 subunit 2; plus strand). Cytogenetic location: 12q15.
Variant type: single nucleotide variant.
Coding change: c.401C>T on transcript NM_006431.3 (MANE Select); coding-DNA position 401, C replaced by T.
Protein change: p.Thr134Met; replaces threonine 134 with methionine.
Molecular consequence: missense variant.
Genome position (GRCh38, 1-based): chr12:69,588,217, C>T. VCF-style: chr12-69588217-C-T. GRCh37 (hg19) VCF-style: chr12-69981997-C-T.
Other names: c.260C>T, p.Thr87Met (NM_001198842.2); short protein forms T134M, T87M.
Identifiers: ClinVar variation 2999314 (VCV002999314.3), dbSNP rs563962174, ClinGen allele CA239118877.
Genomic context (GRCh38, chr12:69,588,217, plus strand): 5'-AATCTTTAATTGCAAAAAAGATTCATCCACAGACCATCATAGCGGGTTGGAGAGAAGCCA[C>T]GAAGGCTGCAAGAGAGGCGCTGTTGAGTTCTGCAGTTGATCATGGGTTTGTATAGCAAAG-3'
Protein context (NP_006422.1, residues 124-144): QTIIAGWREA[Thr134Met]KAAREALLSS